The following is an entry in ClinVar:

NM_181523.3(PIK3R1):c.634+81A>G

Gene: PIK3R1 (phosphoinositide-3-kinase regulatory subunit 1; plus strand). Cytogenetic location: 5q13.1.
Variant type: single nucleotide variant.
Coding change: c.634+81A>G on transcript NM_181523.3 (MANE Select); 81 bases into the intron after coding-DNA position 634, A replaced by G.
Molecular consequence: intron variant.
Genome position (GRCh38, 1-based): chr5:68,279,814, A>G. VCF-style: chr5-68279814-A-G. GRCh37 (hg19) VCF-style: chr5-67575642-A-G.
Identifiers: ClinVar variation 1274836 (VCV001274836.4), dbSNP rs3815701, ClinGen allele CA15363415.

ClinVar aggregate classification (germline): Benign. Review status: criteria provided, multiple submitters, no conflicts (2 of 4 stars). 3 submissions from 3 submitters: Benign (3). Last evaluated 2023-11-12.

Allele frequency attached by ClinVar (database versions not stated): 1000 Genomes Project 30x 0.22142; 1000 Genomes Project 0.22504; TOPMed 0.22776; gnomAD 0.23142 and 0.23184.
gnomAD v4.1: 321,005 of 1,361,854 alleles (24%); highest among the groups gnomAD compares: South Asian, 25%; 38,821 homozygotes.

Submissions (3):

Unidad de Genómica Garrahan, Hospital de Pediatría Garrahan
Classification: Benign. Last evaluated: 2023-11-12. Review status: criteria provided, single submitter. Criteria: ACMG Guidelines, 2015. Collection method: clinical testing. Allele origin: germline. Affected: no. Observed: 39 variant alleles.
Comment: This variant is classified as Benign based on local population frequency. This variant was detected in 41% of patients studied by a panel of primary immunodeficiencies. Number of patients: 39. Only high quality variants are reported.

GeneDx
Classification: Benign. Last evaluated: 2018-07-07. Review status: criteria provided, single submitter. Criteria: GeneDx Variant Classification Process June 2021. Collection method: clinical testing. Allele origin: germline. Affected: yes.

Breakthrough Genomics
Classification: Benign. Review status: criteria provided, single submitter. Criteria: ACMG Guidelines, 2015. Collection method: not provided. Allele origin: germline. Inheritance: Autosomal recessive inheritance. Affected: yes.